The following is an entry in ClinVar:

ClinVar aggregate classification (germline): Pathogenic (1 of 4 stars; one submission).

Submission:

Labcorp Genetics (formerly Invitae), Labcorp
Classification: Pathogenic. Last evaluated: 2023-11-22. Review status: criteria provided, single submitter. Criteria: Invitae Variant Classification Sherloc (09022015). Collection method: clinical testing. Allele origin: germline.
Comment: This sequence change creates a premature translational stop signal (p.Phe2775Serfs*37) in the LAMA1 gene. It is expected to result in an absent or disrupted protein product. Loss-of-function variants in LAMA1 are known to be pathogenic (PMID: 25105227, 26932191). This variant is not present in population databases (gnomAD no frequency). This variant has not been reported in the literature in individuals affected with LAMA1-related conditions. For these reasons, this variant has been classified as Pathogenic.

Literature cited by the submitters: PubMed 25105227; PubMed 26932191.

NM_005559.4(LAMA1):c.8324del (p.Phe2775fs)

Gene: LAMA1 (laminin subunit alpha 1; minus strand). Cytogenetic location: 18p11.31.
Variant type: Deletion.
Coding change: c.8324del on transcript NM_005559.4 (MANE Select); coding-DNA position 8324, one base deleted (T; older notation c.8324delT).
Protein change: p.Phe2775fs; shifts the reading frame from phenylalanine 2775.
Molecular consequence: frameshift variant.
Genome position (GRCh38, 1-based): chr18:6,950,855, A deleted on the plus strand (T on the coding strand, the reverse complement: LAMA1 is on the minus strand); the first of 2 consecutive A bases (chr18:6,950,855-6,950,856); deleting either gives the same sequence. VCF-style (leftmost placement, unchanged base first): chr18-6950854-GA-G. GRCh37 (hg19) VCF-style: chr18-6950853-GA-G.
Other names: short protein forms F2775fs.
Identifiers: ClinVar variation 2696959 (VCV002696959.3), dbSNP rs2510816942, ClinGen allele CA2697555314.
Genomic context (GRCh38, chr18:6,950,854, plus strand): 5'-GCCATCACTGAGCAGTGCAGGGTGAGAGACCTTTGTTCTGCCTTTGCCAAGGTCAAACAT[GA>G]AGTGGAGGCGGCCCCCGTGCAGCTGGAGCACAGCGTAGTCTGCTTGGTTCTGATGAGCCA-3'